The following is an entry in ClinVar:

NM_025114.4(CEP290):c.2490G>A (p.Lys830=)

Gene: CEP290 (centrosomal protein 290; minus strand). Cytogenetic location: 12q21.32.
Variant type: single nucleotide variant.
Coding change: c.2490G>A on transcript NM_025114.4 (MANE Select); coding-DNA position 2490, G replaced by A.
Protein change: p.Lys830=; no amino-acid change (lysine 830 retained).
Molecular consequence: synonymous variant.
Genome position (GRCh38, 1-based): chr12:88,107,092, C>T on the plus strand (G>A on the coding strand, the complement: CEP290 is on the minus strand). VCF-style: chr12-88107092-C-T. GRCh37 (hg19) VCF-style: chr12-88500869-C-T.
Other names: c.2490G>A (NM_025114.3).
Identifiers: ClinVar variation 1131388 (VCV001131388.10), dbSNP rs1487806486, ClinGen allele CA481304297.

ClinVar aggregate classification (germline): Likely benign. Review status: criteria provided, single submitter (1 of 4 stars). 2 submissions from 2 submitters: Likely benign (1). 1 of the submissions does not count toward it. Last evaluated 2025-09-19.

Conditions:
CEP290-related disorder. Also called: CEP290-related disorders; CEP290-related condition. Identifiers: MedGen CN239314.
Joubert syndrome. Also called: CEREBELLOPARENCHYMAL DISORDER IV; JOUBERT-BOLTSHAUSER SYNDROME; Familial aplasia of the vermis. Identifiers: Orphanet 475, MedGen C5979921, MONDO:0018772.
Nephronophthisis. Also called: Juvenile Nephronophthisis. Identifiers: Orphanet 655, MedGen C0687120, MONDO:0019005, HP:0000090.
Meckel-Gruber syndrome. Also called: DYSENCEPHALIA SPLANCHNOCYSTICA; GRUBER SYNDROME; Dysencephalia splachnocystica. Identifiers: Orphanet 564, MedGen C0265215, MONDO:0018921.

Allele frequency attached by ClinVar (database versions not stated): gnomAD exomes below 0.00001 and 0.00001.

Submissions (2):

Labcorp Genetics (formerly Invitae), Labcorp
Classification: Likely benign for Joubert syndrome; Meckel-Gruber syndrome; Nephronophthisis. Last evaluated: 2025-09-19. Review status: criteria provided, single submitter. Criteria: Invitae Variant Classification Sherloc (09022015). Collection method: clinical testing. Allele origin: germline.

PreventionGenetics, part of Exact Sciences
Classification: Likely benign for CEP290-related condition. Last evaluated: 2024-01-12. Review status: no assertion criteria provided. Collection method: clinical testing. Allele origin: germline. Not counted in ClinVar's aggregate classification.
Comment: This variant is classified as likely benign based on ACMG/AMP sequence variant interpretation guidelines (Richards et al. 2015 PMID: 25741868, with internal and published modifications).